The following is an entry in ClinVar:

NM_003995.4(NPR2):c.1469T>C (p.Met490Thr)

Gene: NPR2 (natriuretic peptide receptor 2; plus strand). Cytogenetic location: 9p13.3.
Variant type: single nucleotide variant.
Coding change: c.1469T>C on transcript NM_003995.4 (MANE Select); coding-DNA position 1469, T replaced by C.
Protein change: p.Met490Thr; replaces methionine 490 with threonine.
Molecular consequence: missense variant.
Genome position (GRCh38, 1-based): chr9:35,801,675, T>C. VCF-style: chr9-35801675-T-C. GRCh37 (hg19) VCF-style: chr9-35801672-T-C.
Other names: c.1478T>C, p.Met493Thr (NM_001378923.1); short protein forms M490T, M493T.
Identifiers: ClinVar variation 2165961 (VCV002165961.4), dbSNP rs956477924, ClinGen allele CA192767965.

ClinVar aggregate classification (germline): Uncertain significance (1 of 4 stars; one submission).

Conditions:
Acromesomelic dysplasia 1, Maroteaux type (AMD1). Also called: ACROMESOMELIC DYSPLASIA 1; ST. HELENA DYSPLASIA. Identifiers: Orphanet 40, MedGen C1864356, MONDO:0011275, OMIM 602875.
Tall stature-scoliosis-macrodactyly of the great toes syndrome. Also called: Epiphyseal chondrodysplasia, miura type. Identifiers: Orphanet 329191, MedGen C4014690, MONDO:0014401, OMIM 615923.

Submission:

Labcorp Genetics (formerly Invitae), Labcorp
Classification: Uncertain significance for Tall stature-scoliosis-macrodactyly of the great toes syndrome; Acromesomelic dysplasia 1, Maroteaux type. Last evaluated: 2022-04-25. Review status: criteria provided, single submitter. Criteria: Invitae Variant Classification Sherloc (09022015). Collection method: clinical testing. Allele origin: germline.
Comment: This variant has not been reported in the literature in individuals affected with NPR2-related conditions. In summary, the available evidence is currently insufficient to determine the role of this variant in disease. Therefore, it has been classified as a Variant of Uncertain Significance. Algorithms developed to predict the effect of missense changes on protein structure and function are either unavailable or do not agree on the potential impact of this missense change (SIFT: "Deleterious"; PolyPhen-2: "Benign"; Align-GVGD: "Class C65"). This variant is not present in population databases (gnomAD no frequency). This sequence change replaces methionine, which is neutral and non-polar, with threonine, which is neutral and polar, at codon 490 of the NPR2 protein (p.Met490Thr).